The following is an entry in ClinVar:

NM_201596.3(CACNB2):c.1457C>T (p.Pro486Leu)

Gene: CACNB2 (calcium voltage-gated channel auxiliary subunit beta 2; plus strand). Cytogenetic location: 10p12.31.
Variant type: single nucleotide variant.
Coding change: c.1457C>T on transcript NM_201596.3 (MANE Select); coding-DNA position 1457, C replaced by T.
Protein change: p.Pro486Leu; replaces proline 486 with leucine.
Molecular consequence: missense variant.
Genome position (GRCh38, 1-based): chr10:18,538,334, C>T. VCF-style: chr10-18538334-C-T. GRCh37 (hg19) VCF-style: chr10-18827263-C-T.
Other names: c.1292C>T, p.Pro431Leu (NM_000724.4); c.1259C>T, p.Pro420Leu (NM_001167945.2); c.1178C>T, p.Pro393Leu (NM_001330060.2); c.1199C>T, p.Pro400Leu (NM_001410882.1); c.1313C>T, p.Pro438Leu (NM_201570.3); c.1373C>T, p.Pro458Leu (NM_201571.4); c.1301C>T, p.Pro434Leu (NM_201572.4); c.1295C>T, p.Pro432Leu (NM_201590.3); and 2 more; short protein forms P434L, P438L, P462L, P393L, P420L, P458L, P400L, P431L.
Identifiers: ClinVar variation 4613788 (VCV004613788.1).

ClinVar aggregate classification (germline): Uncertain significance (1 of 4 stars; one submission).

Conditions:
Cardiovascular phenotype. Identifiers: MedGen CN230736.

gnomAD v4.1: 2 of 1,614,134 alleles (0.00012%); highest among the groups gnomAD compares: Non-Finnish European, 0.00017%; no homozygotes.

Submission:

Ambry Genetics
Classification: Uncertain significance for Cardiovascular phenotype. Last evaluated: 2025-11-22. Review status: criteria provided, single submitter. Criteria: Ambry Variant Classification Scheme 2023. Collection method: clinical testing. Allele origin: germline.
Comment: The p.P432L variant (also known as c.1295C>T), located in coding exon 12 of the CACNB2 gene, results from a C to T substitution at nucleotide position 1295. The proline at codon 432 is replaced by leucine, an amino acid with similar properties. This amino acid position is conserved. In addition, the in silico prediction for this alteration is inconclusive. Based on the available evidence, the clinical significance of this variant remains unclear.